The following is an entry in ClinVar:

ClinVar aggregate classification (germline): Uncertain significance (1 of 4 stars; one submission).

Conditions:
Combined immunodeficiency due to STIM1 deficiency. Also called: STIM1 DEFICIENCY; IMMUNODEFICIENCY 10. Identifiers: Orphanet 169090, Orphanet 317430, MedGen C2748557, MONDO:0013008, OMIM 612783.
Myopathy with tubular aggregates (TAM). Also called: Tubular Aggregate Myopathy. Identifiers: Orphanet 2593, MedGen C0410207, MONDO:0008051.
Stormorken syndrome (STRMK). Also called: THROMBOCYTOPATHY, ASPLENIA, AND MIOSIS. Identifiers: Orphanet 3204, MedGen C1861451, MONDO:0008497, OMIM 185070.

gnomAD v4.1: 22 of 1,613,312 alleles (0.0014%); highest among the groups gnomAD compares: Non-Finnish European, 0.0018%; no homozygotes.

Submission:

Labcorp Genetics (formerly Invitae), Labcorp
Classification: Uncertain significance for Myopathy with tubular aggregates; Combined immunodeficiency due to STIM1 deficiency; Stormorken syndrome. Last evaluated: 2025-08-18. Review status: criteria provided, single submitter. Criteria: Invitae Variant Classification Sherloc (09022015). Collection method: clinical testing. Allele origin: germline.
Comment: This sequence change falls in intron 6 of the STIM1 gene. It does not directly change the encoded amino acid sequence of the STIM1 protein. It affects a nucleotide within the consensus splice site. This variant is present in population databases (rs201348785, gnomAD 0.002%). This variant has not been reported in the literature in individuals affected with STIM1-related conditions. ClinVar contains an entry for this variant (Variation ID: 2192044). Variants that disrupt the consensus splice site are a relatively common cause of aberrant splicing (PMID: 17576681, 9536098). Algorithms developed to predict the effect of sequence changes on RNA splicing suggest that this variant is not likely to affect RNA splicing. In summary, the available evidence is currently insufficient to determine the role of this variant in disease. Therefore, it has been classified as a Variant of Uncertain Significance.

Literature cited by the submitters: PubMed 17576681; PubMed 9536098.

NM_001382567.1(STIM1):c.792-3C>T

Gene: STIM1 (stromal interaction molecule 1; plus strand). Cytogenetic location: 11p15.4.
Variant type: single nucleotide variant.
Coding change: c.792-3C>T on transcript NM_001382567.1 (MANE Select); 3 bases into the intron before coding-DNA position 792, C replaced by T.
Molecular consequence: intron variant.
Genome position (GRCh38, 1-based): chr11:4,074,499, C>T. VCF-style: chr11-4074499-C-T. GRCh37 (hg19) VCF-style: chr11-4095729-C-T.
Other names: c.570-3C>T (NM_001382578.1, NM_001382575.1, NM_001382576.1 and 5 more transcripts); c.303-3C>T (NM_001382580.1, NM_001382581.1); c.792-3C>T (NM_001382568.1, NM_001277962.2, NM_003156.4 and 2 more transcripts); c.564-3C>T (NM_001382570.1); c.657-3C>T (NM_001382569.1); c.312-3C>T (NM_001382571.1).
Identifiers: ClinVar variation 2192044 (VCV002192044.4), dbSNP rs201348785, ClinGen allele CA5830332.